The following is an entry in ClinVar:

ClinVar aggregate classification (germline): Uncertain significance (1 of 4 stars; one submission).

Conditions:
Kabuki syndrome. Also called: NIIKAWA-KUROKI SYNDROME; Kabuki make-up syndrome. Identifiers: Orphanet 2322, MedGen C0796004, MONDO:0016512.

Submission:

Labcorp Genetics (formerly Invitae), Labcorp
Classification: Uncertain significance for Kabuki syndrome. Last evaluated: 2025-12-22. Review status: criteria provided, single submitter. Criteria: Invitae Variant Classification Sherloc (09022015). Collection method: clinical testing. Allele origin: germline.
Comment: This sequence change replaces serine, which is neutral and polar, with leucine, which is neutral and non-polar, at codon 1270 of the KMT2D protein (p.Ser1270Leu). This variant is not present in population databases (gnomAD no frequency). This variant has not been reported in the literature in individuals affected with KMT2D-related conditions. ClinVar contains an entry for this variant (Variation ID: 3680428). Invitae Evidence Modeling of protein sequence and biophysical properties (such as structural, functional, and spatial information, amino acid conservation, physicochemical variation, residue mobility, and thermodynamic stability) has been performed for this missense variant. However, the output from this modeling did not meet the statistical confidence thresholds required to predict the impact of this variant on KMT2D protein function. In summary, the available evidence is currently insufficient to determine the role of this variant in disease. Therefore, it has been classified as a Variant of Uncertain Significance.

NM_003482.4(KMT2D):c.3809C>T (p.Ser1270Leu)

Genes: KMT2D (lysine methyltransferase 2D; minus strand), LOC126861520 (CDK7 strongly-dependent group 2 enhancer GRCh37_chr12:49442744-49443943; plus strand). Cytogenetic location: 12q13.12.
Variant type: single nucleotide variant.
Coding change: c.3809C>T on transcript NM_003482.4 (MANE Select); coding-DNA position 3809, C replaced by T.
Protein change: p.Ser1270Leu; replaces serine 1270 with leucine.
Molecular consequence: missense variant.
Genome position (GRCh38, 1-based): chr12:49,049,779, G>A on the plus strand (C>T on the coding strand, the complement: KMT2D is on the minus strand). VCF-style: chr12-49049779-G-A. GRCh37 (hg19) VCF-style: chr12-49443562-G-A.
Other names: short protein forms S1270L.
Identifiers: ClinVar variation 3680428 (VCV003680428.2).